The following is an entry in ClinVar:

ClinVar aggregate classification (germline): Uncertain significance (1 of 4 stars; one submission).

Submission:

Labcorp Genetics (formerly Invitae), Labcorp
Classification: Uncertain significance. Last evaluated: 2023-12-09. Review status: criteria provided, single submitter. Criteria: Invitae Variant Classification Sherloc (09022015). Collection method: clinical testing. Allele origin: germline.
Comment: This variant, c.2358_2360del, results in the deletion of 1 amino acid(s) of the MAGEL2 protein (p.Ser788del), but otherwise preserves the integrity of the reading frame. This variant is present in population databases (no rsID available, gnomAD 0.002%). This variant has not been reported in the literature in individuals affected with MAGEL2-related conditions. In summary, the available evidence is currently insufficient to determine the role of this variant in disease. Therefore, it has been classified as a Variant of Uncertain Significance.

NM_019066.5(MAGEL2):c.2355CTC[1] (p.Ser788del)

Gene: MAGEL2 (MAGE family member L2; minus strand). Cytogenetic location: 15q11.2.
Variant type: Microsatellite.
Coding change: c.2355CTC[1] on transcript NM_019066.5 (MANE Select); one copy of the 3-base unit CTC starting at c.2355; the reference has two copies in a row; one copy, 3 bases deleted.
Protein change: p.Ser788del; deletes serine 788.
Molecular consequence: inframe deletion.
Genome position (GRCh38, 1-based): chr15:23,645,383-23,645,385, GAG deleted on the plus strand (CTC on the coding strand, the reverse complement: MAGEL2 is on the minus strand); deleting any 3 consecutive bases within chr15:23,645,383-23,645,389 gives the same sequence; the position shown is the placement nearest the transcript's 3' end. VCF-style (leftmost placement, unchanged base first): chr15-23645382-TGAG-T. GRCh37 (hg19) VCF-style: chr15-23890529-TGAG-T.
Other names: short protein forms S788del.
Identifiers: ClinVar variation 2965949 (VCV002965949.3), dbSNP rs1189664699, ClinGen allele CA617084196.